The following is an entry in ClinVar:

NM_004082.5(DCTN1):c.2989C>T (p.Arg997Trp)

Gene: DCTN1 (dynactin subunit 1; minus strand). Cytogenetic location: 2p13.1.
Variant type: single nucleotide variant.
Coding change: c.2989C>T on transcript NM_004082.5 (MANE Select); coding-DNA position 2989, C replaced by T.
Protein change: p.Arg997Trp; replaces arginine 997 with tryptophan.
Molecular consequence: missense variant. On other transcripts: non-coding transcript variant (1).
Genome position (GRCh38, 1-based): chr2:74,365,555, G>A on the plus strand (C>T on the coding strand, the complement: DCTN1 is on the minus strand). VCF-style: chr2-74365555-G-A. GRCh37 (hg19) VCF-style: chr2-74592682-G-A.
Other names: c.2920C>T, p.Arg974Trp (NM_001378992.1); c.2587C>T, p.Arg863Trp (NM_023019.4, NM_001135041.3); c.2929C>T, p.Arg977Trp (NM_001135040.3); c.2878C>T, p.Arg960Trp (NM_001190836.2); c.2968C>T, p.Arg990Trp (NM_001190837.2); c.2938C>T, p.Arg980Trp (NM_001378991.1); short protein forms R863W, R960W, R974W, R977W, R980W, R990W, R997W.
Identifiers: ClinVar variation 976310 (VCV000976310.12), dbSNP rs1030053524, ClinGen allele CA50474781.
Genomic context (GRCh38, chr2:74,365,555, plus strand): 5'-CCCCAGGGAAAGTGCCTGACTTCTCCTTCTTTCGCAGCAGTGCCTGGGTCTCCTCCAGCC[G>A]AGTCTGGACTTTCTCGATGCGCTCATCTGCATCCTTGGCAGCACTGTCCAACTTCTTCTC-3'
Protein context (NP_004073.2, residues 987-1007): ADERIEKVQT[Arg997Trp]LEETQALLRK

ClinVar aggregate classification (germline): Uncertain significance. Review status: criteria provided, multiple submitters, no conflicts (2 of 4 stars). 4 submissions from 4 submitters: Uncertain significance (3). 1 of the submissions does not count toward it. Last evaluated 2025-12-02.

Conditions:
Amyotrophic lateral sclerosis type 1 (ALS1). Also called: AMYOTROPHIC LATERAL SCLEROSIS 1, FAMILIAL. Identifiers: Orphanet 803, MedGen C1862939, MONDO:0007103, OMIM 105400.
Neuronopathy, distal hereditary motor, type 7B. Also called: HMN VIIB; LOWER MOTOR NEURON DISEASE, DYNACTIN TYPE; NEURONOPATHY, DISTAL HEREDITARY MOTOR, AUTOSOMAL DOMINANT 14; NEURONOPATHY, DISTAL HEREDITARY MOTOR, HARDING TYPE VIIB; NEUROPATHY, DISTAL HEREDITARY MOTOR, HARDING TYPE VIIB; NEUROPATHY, DISTAL HEREDITARY MOTOR, WITH VOCAL CORD PARALYSIS, HARDING TYPE VIIB. Identifiers: Orphanet 139589, MedGen C1843315, MONDO:0011879, OMIM 607641.
Perry syndrome. Also called: PARKINSONISM WITH ALVEOLAR HYPOVENTILATION AND MENTAL DEPRESSION. Identifiers: Orphanet 178509, MedGen C1868594, MONDO:0008201, OMIM 168605.

Allele frequency attached by ClinVar (database versions not stated): gnomAD 0.00001; gnomAD exomes 0.00001 and below 0.00001; TOPMed 0.00001.
gnomAD v4.1: 19 of 1,613,982 alleles (0.0012%); highest among the groups gnomAD compares: East Asian, 0.013%; no homozygotes.

Submissions (4):

Labcorp Genetics (formerly Invitae), Labcorp
Classification: Uncertain significance for Amyotrophic lateral sclerosis type 1; Neuronopathy, distal hereditary motor, type 7B; Perry syndrome. Last evaluated: 2025-12-02. Review status: criteria provided, single submitter. Criteria: Invitae Variant Classification Sherloc (09022015). Collection method: clinical testing. Allele origin: germline.
Comment: This sequence change replaces arginine, which is basic and polar, with tryptophan, which is neutral and slightly polar, at codon 997 of the DCTN1 protein (p.Arg997Trp). This variant is not present in population databases (gnomAD no frequency). This missense change has been observed in individual(s) with clinical features of amyotrophic lateral sclerosis and/or Parkinson's disease or Alzheimer’s disease (PMID: 18852346, 27132499, 36133075). ClinVar contains an entry for this variant (Variation ID: 976310). Invitae Evidence Modeling of protein sequence and biophysical properties (such as structural, functional, and spatial information, amino acid conservation, physicochemical variation, residue mobility, and thermodynamic stability) indicates that this missense variant is not expected to disrupt DCTN1 protein function with a negative predictive value of 95%. In summary, the available evidence is currently insufficient to determine the role of this variant in disease. Therefore, it has been classified as a Variant of Uncertain Significance.

Genomic Medicine Center of Excellence, King Faisal Specialist Hospital and Research Centre
Classification: Uncertain significance for Perry syndrome. Last evaluated: 2025-09-10. Review status: criteria provided, single submitter. Criteria: ACMG Guidelines, 2015. Collection method: clinical testing. Allele origin: germline.

Institute of Human Genetics, University of Leipzig Medical Center
Classification: Uncertain significance for Perry syndrome. Last evaluated: 2019-11-13. Review status: criteria provided, single submitter. Criteria: ACMG Guidelines, 2015. Collection method: clinical testing. Allele origin: germline. Affected: yes. Observed: 1 variant allele.

Inherited Neuropathy Consortium Ii, University Of Miami
Classification: Uncertain significance for Perry syndrome. Last evaluated: 2016-01-06. Review status: no assertion criteria provided. Collection method: literature only. Allele origin: germline. Affected: yes. Not counted in ClinVar's aggregate classification.

Literature cited by the submitters: PubMed 18852346 (cited by Labcorp Genetics (formerly Invitae), Labcorp and Inherited Neuropathy Consortium Ii, University Of Miami); PubMed 27132499 (cited by Labcorp Genetics (formerly Invitae), Labcorp); PubMed 36133075 (cited by Labcorp Genetics (formerly Invitae), Labcorp).